The following is an entry in ClinVar:

ClinVar aggregate classification (germline): Conflicting classifications of pathogenicity. Review status: criteria provided, conflicting classifications (1 of 4 stars). 2 submissions from 2 submitters: Likely pathogenic (1); Uncertain significance (1). Last evaluated 2024-10-22.

Conditions:
6-Pyruvoyl-tetrahydrobiopterin synthase deficiency. Also called: PTS DEFICIENCY; HYPERPHENYLALANINEMIA, TETRAHYDROBIOPTERIN-DEFICIENT, DUE TO PTS DEFICIENCY; PTS-Related Tetrahydrobiopterin Deficiency; 6-Pyruvoyltetrahydropterin Synthase Deficiency; BH4-deficient hyperphenylalaninemia A; Hyperphenylalanemia, BH4-deficient, A. Identifiers: Orphanet 13, Orphanet 238583, MedGen C0878676, MONDO:0009863, OMIM 261640.
Dystonia 5 (DRD). Also called: DYT-GCH1; DYSTONIA, PROGRESSIVE, WITH DIURNAL VARIATION; DYSTONIA-PARKINSONISM WITH DIURNAL FLUCTUATION; GTP Cyclohydrolase 1-Deficient Dopa-Responsive Dystonia; Dystonia, DOPA-responsive, with or without hyperphenylalaninemia. Identifiers: Orphanet 98808, MedGen C1851920, MONDO:0007495, OMIM 128230.
GTP cyclohydrolase I deficiency. Identifiers: MedGen C0268467, MONDO:0100184.

Allele frequency attached by ClinVar (database versions not stated): gnomAD 0.00001; gnomAD exomes 0.00001; TOPMed 0.00001; ExAC 0.00002.
gnomAD v4.1: 13 of 1,613,066 alleles (0.00081%); highest among the groups gnomAD compares: South Asian, 0.0033%; no homozygotes.

Submissions (2):

Labcorp Genetics (formerly Invitae), Labcorp
Classification: Uncertain significance for GTP cyclohydrolase I deficiency; Dystonia 5. Last evaluated: 2024-10-22. Review status: criteria provided, single submitter. Criteria: Invitae Variant Classification Sherloc (09022015). Collection method: clinical testing. Allele origin: germline.
Comment: This sequence change replaces leucine, which is neutral and non-polar, with isoleucine, which is neutral and non-polar, at codon 92 of the GCH1 protein (p.Leu92Ile). This variant is present in population databases (rs763294577, gnomAD 0.002%). This missense change has been observed in individual(s) with Parkinson disease (PMID: 37256495). ClinVar contains an entry for this variant (Variation ID: 522898). Invitae Evidence Modeling of protein sequence and biophysical properties (such as structural, functional, and spatial information, amino acid conservation, physicochemical variation, residue mobility, and thermodynamic stability) indicates that this missense variant is not expected to disrupt GCH1 protein function with a negative predictive value of 80%. In summary, the available evidence is currently insufficient to determine the role of this variant in disease. Therefore, it has been classified as a Variant of Uncertain Significance.

Genomic Research Center, Shahid Beheshti University of Medical Sciences
Classification: Likely pathogenic for 6-Pyruvoyl-tetrahydrobiopterin synthase deficiency. Last evaluated: 2017-12-18. Review status: criteria provided, single submitter. Criteria: ACMG Guidelines, 2015. Collection method: clinical testing. Allele origin: inherited.

Literature cited by the submitters: PubMed 37256495 (cited by Labcorp Genetics (formerly Invitae), Labcorp).

NM_000161.3(GCH1):c.274C>A (p.Leu92Ile)

Gene: GCH1 (GTP cyclohydrolase 1; minus strand). Cytogenetic location: 14q22.2.
Variant type: single nucleotide variant.
Coding change: c.274C>A on transcript NM_000161.3 (MANE Select); coding-DNA position 274, C replaced by A.
Protein change: p.Leu92Ile; replaces leucine 92 with isoleucine.
Molecular consequence: missense variant.
Genome position (GRCh38, 1-based): chr14:54,902,390, G>T on the plus strand (C>A on the coding strand, the complement: GCH1 is on the minus strand). VCF-style: chr14-54902390-G-T. GRCh37 (hg19) VCF-style: chr14-55369108-G-T.
Other names: c.274C>A, p.Leu92Ile (NM_001024024.2, NM_001024070.2, NM_001024071.2); short protein forms L92I.
Identifiers: ClinVar variation 522898 (VCV000522898.6), dbSNP rs763294577, ClinGen allele CA7193645.